The following is an entry in ClinVar:

ClinVar aggregate classification (germline): Uncertain significance (1 of 4 stars; one submission).

Conditions:
Early-onset Parkinson disease 20. Also called: PARKINSON DISEASE 20, AUTOSOMAL RECESSIVE EARLY-ONSET. Identifiers: Orphanet 391411, MedGen C3809824, MONDO:0014233, OMIM 615530.
Developmental and epileptic encephalopathy, 53. Also called: Epileptic encephalopathy, early infantile, 53. Identifiers: MedGen C4479313, MONDO:0033362, OMIM 617389.

Allele frequency attached by ClinVar (database versions not stated): gnomAD exomes 0.00001; ExAC 0.00002.
gnomAD v4.1: 9 of 1,614,142 alleles (0.00056%); highest among the groups gnomAD compares: South Asian, 0.0055%; no homozygotes.

Submission:

Labcorp Genetics (formerly Invitae), Labcorp
Classification: Uncertain significance for Developmental and epileptic encephalopathy, 53; Early-onset Parkinson disease 20. Last evaluated: 2021-08-24. Review status: criteria provided, single submitter. Criteria: Invitae Variant Classification Sherloc (09022015). Collection method: clinical testing. Allele origin: germline.
Comment: This sequence change replaces proline with leucine at codon 1573 of the SYNJ1 protein (p.Pro1573Leu). The proline residue is highly conserved and there is a moderate physicochemical difference between proline and leucine. This variant is present in population databases (rs766938091, ExAC 0.01%). This variant has not been reported in the literature in individuals affected with SYNJ1-related conditions. Algorithms developed to predict the effect of missense changes on protein structure and function are either unavailable or do not agree on the potential impact of this missense change (SIFT: "Deleterious"; PolyPhen-2: "Probably Damaging"; Align-GVGD: "Class C15"). In summary, the available evidence is currently insufficient to determine the role of this variant in disease. Therefore, it has been classified as a Variant of Uncertain Significance.

NM_203446.3(SYNJ1):c.*689C>T

Gene: SYNJ1 (synaptojanin 1; minus strand). Cytogenetic location: 21q22.11.
Variant type: single nucleotide variant.
Coding change: c.*689C>T on transcript NM_203446.3 (MANE Select); 689 bases downstream of the stop codon, C replaced by T.
Molecular consequence: 3 prime UTR variant. On other transcripts: missense variant (2).
Genome position (GRCh38, 1-based): chr21:32,631,116, G>A on the plus strand (C>T on the coding strand, the complement: SYNJ1 is on the minus strand). VCF-style: chr21-32631116-G-A. GRCh37 (hg19) VCF-style: chr21-34003426-G-A.
Other names: c.*689C>T (NM_001160302.2); c.4460C>T, p.Pro1487Leu (NM_001160306.2); c.4718C>T, p.Pro1573Leu (NM_003895.4); short protein forms P1487L, P1573L.
Identifiers: ClinVar variation 944936 (VCV000944936.7), dbSNP rs766938091, ClinGen allele CA10003064.
Genomic context (GRCh38, chr21:32,631,116, plus strand): 5'-ACTGGAGGGCTGGTGCCGGGCGGGAGCAGAGGGACAGGAGGTGGAGGAGGTCTTCTTGAC[G>A]GCAACACACAGAAGGAGACATTTGTACCTTTATTCCAGTCATCATTCAATGTCAGGTTGG-3'